The following is an entry in ClinVar:

NM_001271.4(CHD2):c.1328G>C (p.Ser443Thr)

Gene: CHD2 (chromodomain helicase DNA binding protein 2; plus strand). Cytogenetic location: 15q26.1.
Variant type: single nucleotide variant.
Coding change: c.1328G>C on transcript NM_001271.4 (MANE Select); coding-DNA position 1328, G replaced by C.
Protein change: p.Ser443Thr; replaces serine 443 with threonine.
Molecular consequence: missense variant.
Genome position (GRCh38, 1-based): chr15:92,946,167, G>C. VCF-style: chr15-92946167-G-C. GRCh37 (hg19) VCF-style: chr15-93489397-G-C.
Other names: c.1328G>C, p.Ser443Thr (NM_001042572.3); short protein forms S443T.
Identifiers: ClinVar variation 3006162 (VCV003006162.3), dbSNP rs756877014, ClinGen allele CA7747776.

ClinVar aggregate classification (germline): Uncertain significance (1 of 4 stars; one submission).

Conditions:
Developmental and epileptic encephalopathy 94 (DEE94). Also called: CHD2-Related Neurodevelopmental Disorders; Epileptic encephalopathy, childhood-onset. Identifiers: Orphanet 1942, Orphanet 2382, MedGen C3809278, MONDO:0014150, OMIM 615369.

gnomAD v4.1: 2 of 1,613,700 alleles (0.00012%); highest among the groups gnomAD compares: Non-Finnish European, 0.00017%; no homozygotes.

Submission:

Labcorp Genetics (formerly Invitae), Labcorp
Classification: Uncertain significance for Developmental and epileptic encephalopathy 94. Last evaluated: 2024-02-20. Review status: criteria provided, single submitter. Criteria: Invitae Variant Classification Sherloc (09022015). Collection method: clinical testing. Allele origin: germline.
Comment: This sequence change replaces serine, which is neutral and polar, with threonine, which is neutral and polar, at codon 443 of the CHD2 protein (p.Ser443Thr). This variant is present in population databases (rs756877014, gnomAD 0.002%). This variant has not been reported in the literature in individuals affected with CHD2-related conditions. Advanced modeling of protein sequence and biophysical properties (such as structural, functional, and spatial information, amino acid conservation, physicochemical variation, residue mobility, and thermodynamic stability) performed at Invitae indicates that this missense variant is not expected to disrupt CHD2 protein function with a negative predictive value of 95%. In summary, the available evidence is currently insufficient to determine the role of this variant in disease. Therefore, it has been classified as a Variant of Uncertain Significance.